The following is an entry in ClinVar:

NM_033087.4(ALG2):c.-39C>G

Gene: ALG2 (ALG2 alpha-1,3/1,6-mannosyltransferase; minus strand). Cytogenetic location: 9q22.33.
Variant type: single nucleotide variant.
Coding change: c.-39C>G on transcript NM_033087.4 (MANE Select); 39 bases upstream of the start codon, C replaced by G.
Molecular consequence: 5 prime UTR variant. On other transcripts: non-coding transcript variant (1).
Genome position (GRCh38, 1-based): chr9:99,221,933, G>C on the plus strand (C>G on the coding strand, the complement: ALG2 is on the minus strand). VCF-style: chr9-99221933-G-C. GRCh37 (hg19) VCF-style: chr9-101984215-G-C.
Identifiers: ClinVar variation 384241 (VCV000384241.1), dbSNP rs375742255, ClinGen allele CA5156542.

ClinVar aggregate classification (germline): Likely benign (1 of 4 stars; one submission).

Allele frequency attached by ClinVar (database versions not stated): gnomAD 0.00056 and 0.00060; ESP Exome Variant Server 0.00058; TOPMed 0.00069; 1000 Genomes Project 0.00100; 1000 Genomes Project 30x 0.00125.
gnomAD v4.1: 189 of 1,539,550 alleles (0.012%); highest among the groups gnomAD compares: African/African-American, 0.25%; no homozygotes.

Submission:

GeneDx
Classification: Likely benign. Last evaluated: 2017-03-03. Review status: criteria provided, single submitter. Criteria: GeneDx Variant Classification (06012015). Collection method: clinical testing. Allele origin: germline. Affected: yes.
Comment: This variant is considered likely benign or benign based on one or more of the following criteria: it is a conservative change, it occurs at a poorly conserved position in the protein, it is predicted to be benign by multiple in silico algorithms, and/or has population frequency not consistent with disease.